The following is an entry in ClinVar:

NM_020401.4(NUP107):c.885A>G (p.Val295=)

Gene: NUP107 (nucleoporin 107; plus strand). Cytogenetic location: 12q15.
Variant type: single nucleotide variant.
Coding change: c.885A>G on transcript NM_020401.4 (MANE Select); coding-DNA position 885, A replaced by G.
Protein change: p.Val295=; no amino-acid change (valine 295 retained).
Molecular consequence: synonymous variant.
Genome position (GRCh38, 1-based): chr12:68,710,088, A>G. VCF-style: chr12-68710088-A-G. GRCh37 (hg19) VCF-style: chr12-69103868-A-G.
Other names: c.798A>G, p.Val266= (NM_001330192.2).
Identifiers: ClinVar variation 3035286 (VCV003035286.3), dbSNP rs375091871, ClinGen allele CA238440786.

ClinVar aggregate classification (germline): Likely benign. Review status: criteria provided, single submitter (1 of 4 stars). 2 submissions from 2 submitters: Likely benign (1). 1 of the submissions does not count toward it. Last evaluated 2025-11-21.

Conditions:
NUP107-related disorder. Also called: NUP107-related condition.

gnomAD v4.1: 16 of 1,501,314 alleles (0.0011%); highest among the groups gnomAD compares: Middle Eastern, 0.02%; no homozygotes.

Submissions (2):

Labcorp Genetics (formerly Invitae), Labcorp
Classification: Likely benign. Last evaluated: 2025-11-21. Review status: criteria provided, single submitter. Criteria: Invitae Variant Classification Sherloc (09022015). Collection method: clinical testing. Allele origin: germline.

PreventionGenetics, part of Exact Sciences
Classification: Likely benign for NUP107-related condition. Last evaluated: 2019-08-08. Review status: no assertion criteria provided. Collection method: clinical testing. Allele origin: germline. Not counted in ClinVar's aggregate classification.
Comment: This variant is classified as likely benign based on ACMG/AMP sequence variant interpretation guidelines (Richards et al. 2015 PMID: 25741868, with internal and published modifications).